The following is an entry in ClinVar:

ClinVar aggregate classification (germline): Uncertain significance. Review status: criteria provided, multiple submitters, no conflicts (2 of 4 stars). 2 submissions from 2 submitters: Uncertain significance (2). Last evaluated 2024-05-26.

Conditions:
Hereditary cancer-predisposing syndrome. Also called: Tumor predisposition; Hereditary Cancer Syndrome; Neoplastic Syndromes, Hereditary; Hereditary neoplastic syndrome. Identifiers: Orphanet 140162, MedGen C0027672, MeSH D009386, MONDO:0015356.
Familial adenomatous polyposis 1 (FAP1). Also called: POLYPOSIS, ADENOMATOUS INTESTINAL; FAMILIAL ADENOMATOUS POLYPOSIS 1, ATTENUATED. Identifiers: MedGen C2713442, MONDO:0021056, OMIM 175100. Disease mechanism: loss of function.

Submissions (2):

Ambry Genetics
Classification: Uncertain significance for Hereditary cancer-predisposing syndrome. Last evaluated: 2024-05-26. Review status: criteria provided, single submitter. Criteria: Ambry Variant Classification Scheme 2023. Collection method: clinical testing. Allele origin: germline.
Comment: The p.T2269I variant (also known as c.6806C>T), located in coding exon 15 of the APC gene, results from a C to T substitution at nucleotide position 6806. The threonine at codon 2269 is replaced by isoleucine, an amino acid with similar properties. This amino acid position is conserved. In addition, in silico predictors for this gene do not accurately predict pathogenicity. Based on the available evidence, the clinical significance of this variant remains unclear.

Labcorp Genetics (formerly Invitae), Labcorp
Classification: Uncertain significance for Familial adenomatous polyposis 1. Last evaluated: 2024-01-09. Review status: criteria provided, single submitter. Criteria: Invitae Variant Classification Sherloc (09022015). Collection method: clinical testing. Allele origin: germline.
Comment: This sequence change replaces threonine, which is neutral and polar, with isoleucine, which is neutral and non-polar, at codon 2269 of the APC protein (p.Thr2269Ile). This variant is not present in population databases (gnomAD no frequency). This variant has not been reported in the literature in individuals affected with APC-related conditions. Advanced modeling of protein sequence and biophysical properties (such as structural, functional, and spatial information, amino acid conservation, physicochemical variation, residue mobility, and thermodynamic stability) performed at Invitae indicates that this missense variant is not expected to disrupt APC protein function with a negative predictive value of 95%. In summary, the available evidence is currently insufficient to determine the role of this variant in disease. Therefore, it has been classified as a Variant of Uncertain Significance.

NM_000038.6(APC):c.6806C>T (p.Thr2269Ile)

Gene: APC (APC regulator of Wnt signaling pathway; plus strand). Cytogenetic location: 5q22.2.
Variant type: single nucleotide variant.
Coding change: c.6806C>T on transcript NM_000038.6 (MANE Select); coding-DNA position 6806, C replaced by T.
Protein change: p.Thr2269Ile; replaces threonine 2269 with isoleucine.
Molecular consequence: missense variant. On other transcripts: non-coding transcript variant (2).
Genome position (GRCh38, 1-based): chr5:112,842,400, C>T. VCF-style: chr5-112842400-C-T. GRCh37 (hg19) VCF-style: chr5-112178097-C-T.
Other names: c.6806C>T, p.Thr2269Ile (NM_001127510.3, NM_001354895.2, NM_001407450.1); c.6752C>T, p.Thr2251Ile (NM_001127511.3); c.6860C>T, p.Thr2287Ile (NM_001354896.2, NM_001407447.1, NM_001407448.1 and 1 more transcripts); c.6836C>T, p.Thr2279Ile (NM_001354897.2); c.6731C>T, p.Thr2244Ile (NM_001354898.2); c.6722C>T, p.Thr2241Ile (NM_001354899.2); c.6683C>T, p.Thr2228Ile (NM_001354900.2); c.6629C>T, p.Thr2210Ile (NM_001354901.2, NM_001407453.1); and 12 more; short protein forms T2109I, T2140I, T2143I, T2228I, T2241I, T2244I, T2279I, T1885I.
Identifiers: ClinVar variation 2733690 (VCV002733690.4), dbSNP rs2149973689, ClinGen allele CA16036196.